The following is an entry in ClinVar:

ClinVar aggregate classification (germline): Conflicting classifications of pathogenicity. Review status: criteria provided, conflicting classifications (1 of 4 stars). 5 submissions from 5 submitters: Uncertain significance (2); Likely benign (3). Last evaluated 2025-09-30.

Conditions:
NTRK1-related disorder. Also called: NTRK1-related condition.
Hereditary insensitivity to pain with anhidrosis (CIPA). Also called: NTRK1 Congenital Insensitivity to Pain with Anhidrosis; NEUROPATHY, CONGENITAL SENSORY, WITH ANHIDROSIS; INSENSITIVITY TO PAIN, CONGENITAL, WITH ANHIDROSIS; HSAN Type IV; FAMILIAL DYSAUTONOMIA, TYPE II; hereditary sensory and autonomic neuropathy type 4. Identifiers: Orphanet 642, MedGen C0020074, MONDO:0009746, OMIM 256800.

Allele frequency attached by ClinVar (database versions not stated): 1000 Genomes Project 30x 0.00016; gnomAD exomes 0.00016 and 0.00031; 1000 Genomes Project 0.00020; TOPMed 0.00030; ExAC 0.00033; gnomAD 0.00037; ESP Exome Variant Server 0.00062.
gnomAD v4.1: 503 of 1,599,456 alleles (0.031%); highest among the groups gnomAD compares: African/African-American, 0.052%; no homozygotes.

Submissions (5):

Mayo Clinic Laboratories, Mayo Clinic
Classification: Likely benign. Last evaluated: 2025-09-30. Review status: criteria provided, single submitter. Criteria: ACMG Guidelines, 2015. Collection method: clinical testing. Allele origin: germline. Observed: 2 variant alleles.
Comment: BP4, BP7

PreventionGenetics, part of Exact Sciences
Classification: Likely benign for NTRK1-related condition. Last evaluated: 2025-05-28. Review status: criteria provided, single submitter. Criteria: ACMG Guidelines, 2015. Collection method: clinical testing. Allele origin: germline.
Comment: This variant is classified as likely benign based on ACMG/AMP sequence variant interpretation guidelines (Richards et al. 2015 PMID: 25741868, with internal and published modifications).

GeneDx
Classification: Likely benign. Last evaluated: 2024-12-17. Review status: criteria provided, single submitter. Criteria: GeneDx Variant Classification Process June 2021. Collection method: clinical testing. Allele origin: germline. Affected: yes.
Comment: See Variant Classification Assertion Criteria.

Illumina Laboratory Services, Illumina
Classification: Uncertain significance for Hereditary insensitivity to pain with anhidrosis. Last evaluated: 2018-01-12. Review status: criteria provided, single submitter. Criteria: ICSL Variant Classification Criteria 13 December 2019. Collection method: clinical testing. Allele origin: germline.

Eurofins Ntd Llc (ga)
Classification: Uncertain significance. Last evaluated: 2017-01-25. Review status: criteria provided, single submitter. Criteria: EGL Classification Definitions 2015. Collection method: clinical testing. Allele origin: germline. Observed: 1 variant allele, 1 heterozygote.

NM_002529.4(NTRK1):c.*6C>T

Gene: NTRK1 (neurotrophic receptor tyrosine kinase 1; plus strand). Cytogenetic location: 1q23.1.
Variant type: single nucleotide variant.
Coding change: c.*6C>T on transcript NM_002529.4 (MANE Select); 6 bases downstream of the stop codon, C replaced by T.
Molecular consequence: 3 prime UTR variant.
Genome position (GRCh38, 1-based): chr1:156,881,648, C>T. VCF-style: chr1-156881648-C-T. GRCh37 (hg19) VCF-style: chr1-156851440-C-T.
Other names: c.*6C>T (NM_002529.3, NM_001007792.1, NM_001012331.2).
Identifiers: ClinVar variation 292900 (VCV000292900.15), dbSNP rs370807813, ClinGen allele CA1169650.